The following is an entry in ClinVar:

NM_025103.4(IFT74):c.232A>C (p.Thr78Pro)

Gene: IFT74 (intraflagellar transport 74; plus strand). Cytogenetic location: 9p21.2.
Variant type: single nucleotide variant.
Coding change: c.232A>C on transcript NM_025103.4 (MANE Select); coding-DNA position 232, A replaced by C.
Protein change: p.Thr78Pro; replaces threonine 78 with proline.
Molecular consequence: missense variant.
Genome position (GRCh38, 1-based): chr9:26,978,239, A>C. VCF-style: chr9-26978239-A-C. GRCh37 (hg19) VCF-style: chr9-26978237-A-C.
Other names: c.232A>C, p.Thr78Pro (NM_001099222.3, NM_001099223.3, NM_001099224.3 and 1 more transcripts); short protein forms T78P.
Identifiers: ClinVar variation 2008420 (VCV002008420.4), dbSNP rs2489312400, ClinGen allele CA373124090.

ClinVar aggregate classification (germline): Uncertain significance (1 of 4 stars; one submission).

Allele frequency attached by ClinVar (database versions not stated): gnomAD exomes 0.00001.
gnomAD v4.1: 9 of 1,613,366 alleles (0.00056%); highest among the groups gnomAD compares: South Asian, 0.0099%; no homozygotes.

Submission:

Labcorp Genetics (formerly Invitae), Labcorp
Classification: Uncertain significance. Last evaluated: 2022-06-19. Review status: criteria provided, single submitter. Criteria: Invitae Variant Classification Sherloc (09022015). Collection method: clinical testing. Allele origin: germline.
Comment: In summary, the available evidence is currently insufficient to determine the role of this variant in disease. Therefore, it has been classified as a Variant of Uncertain Significance. Algorithms developed to predict the effect of missense changes on protein structure and function (SIFT, PolyPhen-2, Align-GVGD) all suggest that this variant is likely to be tolerated. This variant has not been reported in the literature in individuals affected with IFT74-related conditions. This variant is not present in population databases (gnomAD no frequency). This sequence change replaces threonine, which is neutral and polar, with proline, which is neutral and non-polar, at codon 78 of the IFT74 protein (p.Thr78Pro).